The following is an entry in ClinVar:

ClinVar aggregate classification (germline): Uncertain significance (1 of 4 stars; one submission).

Allele frequency attached by ClinVar (database versions not stated): gnomAD exomes below 0.00001.
gnomAD v4.1: 1 of 1,613,810 alleles (0.000062%); highest among the groups gnomAD compares: Non-Finnish European, 0.000085%; no homozygotes.

Submission:

GeneDx
Classification: Uncertain significance. Last evaluated: 2024-04-26. Review status: criteria provided, single submitter. Criteria: GeneDx Variant Classification Process June 2021. Collection method: clinical testing. Allele origin: germline. Affected: yes.
Comment: Not observed at significant frequency in large population cohorts (gnomAD); In silico analysis supports that this missense variant has a deleterious effect on protein structure/function; Has not been previously published as pathogenic or benign to our knowledge

NM_016284.5(CNOT1):c.281C>T (p.Ala94Val)

Gene: CNOT1 (CCR4-NOT transcription complex subunit 1; minus strand). Cytogenetic location: 16q21.
Variant type: single nucleotide variant.
Coding change: c.281C>T on transcript NM_016284.5 (MANE Select); coding-DNA position 281, C replaced by T.
Protein change: p.Ala94Val; replaces alanine 94 with valine.
Molecular consequence: missense variant. On other transcripts: non-coding transcript variant (1).
Genome position (GRCh38, 1-based): chr16:58,587,808, G>A on the plus strand (C>T on the coding strand, the complement: CNOT1 is on the minus strand). VCF-style: chr16-58587808-G-A. GRCh37 (hg19) VCF-style: chr16-58621712-G-A.
Other names: c.281C>T, p.Ala94Val (NM_001265612.2, NM_206999.3); short protein forms A94V.
Identifiers: ClinVar variation 1707170 (VCV001707170.3), dbSNP rs1236305946, ClinGen allele CA396157611.